The following is an entry in ClinVar:

NM_000455.5(STK11):c.734+8C>T

Gene: STK11 (serine/threonine kinase 11; plus strand). Cytogenetic location: 19p13.3.
Variant type: single nucleotide variant.
Coding change: c.734+8C>T on transcript NM_000455.5 (MANE Select); 8 bases into the intron after coding-DNA position 734, C replaced by T.
Molecular consequence: intron variant.
Genome position (GRCh38, 1-based): chr19:1,220,725, C>T. VCF-style: chr19-1220725-C-T. GRCh37 (hg19) VCF-style: chr19-1220724-C-T.
Identifiers: ClinVar variation 744928 (VCV000744928.14), dbSNP rs561655034, ClinGen allele CA048760.

ClinVar aggregate classification (germline): Likely benign. Review status: criteria provided, multiple submitters, no conflicts (2 of 4 stars). 3 submissions from 3 submitters: Likely benign (3). Last evaluated 2025-03-27.

Conditions:
Peutz-Jeghers syndrome (PJS). Also called: POLYPOSIS, HAMARTOMATOUS INTESTINAL; POLYPS-AND-SPOTS SYNDROME; Peutz-Jeghers polyposis; Periorificial lentiginosis syndrome. Identifiers: Orphanet 2869, MedGen C0031269, MeSH D010580, MONDO:0008280, OMIM 175200.
Hereditary cancer-predisposing syndrome. Also called: Tumor predisposition; Hereditary Cancer Syndrome; Neoplastic Syndromes, Hereditary; Hereditary neoplastic syndrome. Identifiers: Orphanet 140162, MedGen C0027672, MeSH D009386, MONDO:0015356.

Allele frequency attached by ClinVar (database versions not stated): ExAC 0.00002.
gnomAD v4.1: 7 of 1,602,644 alleles (0.00044%); highest among the groups gnomAD compares: South Asian, 0.0066%; no homozygotes.

Submissions (3):

Myriad Genetics, Inc.
Classification: Likely benign for Peutz-Jeghers syndrome. Last evaluated: 2025-03-27. Review status: criteria provided, single submitter. Criteria: Myriad Autosomal Dominant, Autosomal Recessive and X-Linked Classification Criteria (2023). Collection method: clinical testing. Allele origin: unknown.
Comment: This variant is considered likely benign. This variant is intronic and is not expected to impact mRNA splicing.

Labcorp Genetics (formerly Invitae), Labcorp
Classification: Likely benign for Peutz-Jeghers syndrome. Last evaluated: 2025-02-04. Review status: criteria provided, single submitter. Criteria: Invitae Variant Classification Sherloc (09022015). Collection method: clinical testing. Allele origin: germline.

Color Diagnostics, LLC DBA Color Health
Classification: Likely benign for Hereditary cancer-predisposing syndrome. Last evaluated: 2019-03-04. Review status: criteria provided, single submitter. Criteria: ACMG Guidelines, 2015. Collection method: clinical testing. Allele origin: germline.